The following is an entry in ClinVar:

NM_205850.3(SLC24A5):c.477G>T (p.Leu159Phe)

Gene: SLC24A5 (solute carrier family 24 member 5; plus strand). Cytogenetic location: 15q21.1.
Variant type: single nucleotide variant.
Coding change: c.477G>T on transcript NM_205850.3 (MANE Select); coding-DNA position 477, G replaced by T.
Protein change: p.Leu159Phe; replaces leucine 159 with phenylalanine.
Molecular consequence: missense variant.
Genome position (GRCh38, 1-based): chr15:48,134,526, G>T. VCF-style: chr15-48134526-G-T. GRCh37 (hg19) VCF-style: chr15-48426723-G-T.
Other names: short protein forms L159F.
Identifiers: ClinVar variation 4695241 (VCV004695241.1).

ClinVar aggregate classification (germline): Uncertain significance (1 of 4 stars; one submission).

gnomAD v4.1: 50 of 1,612,212 alleles (0.0031%); highest among the groups gnomAD compares: Non-Finnish European, 0.0039%; no homozygotes.

Submission:

Labcorp Genetics (formerly Invitae), Labcorp
Classification: Uncertain significance. Last evaluated: 2026-01-26. Review status: criteria provided, single submitter. Criteria: Invitae Variant Classification Sherloc (09022015). Collection method: clinical testing. Allele origin: germline.
Comment: This sequence change replaces leucine, which is neutral and non-polar, with phenylalanine, which is neutral and non-polar, at codon 159 of the SLC24A5 protein (p.Leu159Phe). This variant is present in population databases (rs200523987, gnomAD 0.0009%). This variant has not been reported in the literature in individuals affected with SLC24A5-related conditions. Invitae Evidence Modeling of protein sequence and biophysical properties (such as structural, functional, and spatial information, amino acid conservation, physicochemical variation, residue mobility, and thermodynamic stability) indicates that this missense variant is not expected to disrupt SLC24A5 protein function with a negative predictive value of 80%. In summary, the available evidence is currently insufficient to determine the role of this variant in disease. Therefore, it has been classified as a Variant of Uncertain Significance.